The following is an entry in ClinVar:

ClinVar aggregate classification (germline): Likely pathogenic (1 of 4 stars; one submission).

Conditions:
MAP1B-related disorder. Also called: MAP1B-related condition.

Submission:

PreventionGenetics, part of Exact Sciences
Classification: Likely pathogenic for MAP1B-related condition. Last evaluated: 2022-11-10. Review status: criteria provided, single submitter. Criteria: ACMG Guidelines, 2015. Collection method: clinical testing. Allele origin: germline.
Comment: The MAP1B c.2251A>T variant is predicted to result in premature protein termination (p.Lys751*). To our knowledge, this variant has not been reported in the literature or in a large population database, indicating this variant is rare. Nonsense variants in MAP1B are expected to be pathogenic. This variant is interpreted as likely pathogenic.

NM_005909.5(MAP1B):c.2251A>T (p.Lys751Ter)

Gene: MAP1B (microtubule associated protein 1B; plus strand). Cytogenetic location: 5q13.2.
Variant type: single nucleotide variant.
Coding change: c.2251A>T on transcript NM_005909.5 (MANE Select); coding-DNA position 2251, A replaced by T.
Protein change: p.Lys751Ter; replaces lysine 751 with a stop codon.
Molecular consequence: nonsense.
Genome position (GRCh38, 1-based): chr5:72,195,606, A>T. VCF-style: chr5-72195606-A-T. GRCh37 (hg19) VCF-style: chr5-71491433-A-T.
Other names: c.1873A>T, p.Lys625Ter (NM_001324255.2); short protein forms K625*, K751*.
Identifiers: ClinVar variation 2635122 (VCV002635122.1), dbSNP rs2478571532, ClinGen allele CA360005661.